The following is an entry in ClinVar:

ClinVar aggregate classification (germline): Conflicting classifications of pathogenicity. Review status: criteria provided, conflicting classifications (1 of 4 stars). 9 submissions from 8 submitters: Uncertain significance (3); Benign (1); Likely benign (4). 1 of the submissions does not count toward it. Last evaluated 2026-01-18.

Conditions:
WDR35-related disorder. Also called: WDR35-related condition; WDR35-related disorders. Identifiers: MedGen CN239419.
Cranioectodermal dysplasia 2 (CED2). Identifiers: Orphanet 1515, MedGen C3150874, MONDO:0013323, OMIM 613610.
Short-rib thoracic dysplasia 7 with or without polydactyly (SRTD7). Also called: Short rib polydactyly syndrome 5; SHORT-RIB THORACIC DYSPLASIA 7 WITH POLYDACTYLY. Identifiers: Orphanet 498497, Orphanet 93271, MedGen C3279792, MONDO:0013569, OMIM 614091.

Allele frequency attached by ClinVar (database versions not stated): 1000 Genomes Project 30x 0.00141; ExAC 0.00157; 1000 Genomes Project 0.00160; gnomAD exomes 0.00164 and 0.00254; gnomAD 0.00203 and 0.00221; TOPMed 0.00263; ESP Exome Variant Server 0.00277.
gnomAD v4.1: 4,072 of 1,613,756 alleles (0.25%); highest among the groups gnomAD compares: Non-Finnish European, 0.3%; 8 homozygotes.

Submissions (9):

Labcorp Genetics (formerly Invitae), Labcorp
Classification: Likely benign for Cranioectodermal dysplasia 2; Short-rib thoracic dysplasia 7 with or without polydactyly. Last evaluated: 2026-01-18. Review status: criteria provided, single submitter. Criteria: Invitae Variant Classification Sherloc (09022015). Collection method: clinical testing. Allele origin: germline.

Blueprint Genetics
Classification: Likely benign. Last evaluated: 2024-10-31. Review status: criteria provided, single submitter. Criteria: ACMG Guidelines, 2015. Collection method: clinical testing. Allele origin: germline.

ARUP Laboratories, Molecular Genetics and Genomics, ARUP Laboratories
Classification: Likely benign. Last evaluated: 2024-06-14. Review status: criteria provided, single submitter. Criteria: ARUP Molecular Germline Variant Investigation Process 2024. Collection method: clinical testing. Allele origin: germline.

GeneDx
Classification: Likely benign. Last evaluated: 2021-05-19. Review status: criteria provided, single submitter. Criteria: GeneDx Variant Classification Process June 2021. Collection method: clinical testing. Allele origin: germline. Affected: yes.

Illumina Laboratory Services, Illumina
Classification: Uncertain significance for Short-rib thoracic dysplasia 7 with or without polydactyly. Last evaluated: 2018-01-13. Review status: criteria provided, single submitter. Criteria: ICSL Variant Classification Criteria 13 December 2019. Collection method: clinical testing. Allele origin: germline.

Illumina Laboratory Services, Illumina
Classification: Uncertain significance for Cranioectodermal dysplasia 2. Last evaluated: 2018-01-13. Review status: criteria provided, single submitter. Criteria: ICSL Variant Classification Criteria 13 December 2019. Collection method: clinical testing. Allele origin: germline.

Eurofins Ntd Llc (ga)
Classification: Benign. Last evaluated: 2016-03-31. Review status: criteria provided, single submitter. Criteria: EGL Classification Definitions 2015. Collection method: clinical testing. Allele origin: germline. Observed: 2 variant alleles, 2 heterozygotes.

Genetic Services Laboratory, University of Chicago
Classification: Uncertain significance. Last evaluated: 2015-08-10. Review status: criteria provided, single submitter. Criteria: ACMG Guidelines, 2015. Collection method: clinical testing. Allele origin: germline. Affected: no.

PreventionGenetics, part of Exact Sciences
Classification: Likely benign for WDR35-related condition. Last evaluated: 2021-02-22. Review status: no assertion criteria provided. Collection method: clinical testing. Allele origin: germline. Not counted in ClinVar's aggregate classification.
Comment: This variant is classified as likely benign based on ACMG/AMP sequence variant interpretation guidelines (Richards et al. 2015 PMID: 25741868, with internal and published modifications).

NM_020779.4(WDR35):c.355C>T (p.Arg119Cys)

Gene: WDR35 (WD repeat domain 35; minus strand). Cytogenetic location: 2p24.1.
Variant type: single nucleotide variant.
Coding change: c.355C>T on transcript NM_020779.4 (MANE Select); coding-DNA position 355, C replaced by T.
Protein change: p.Arg119Cys; replaces arginine 119 with cysteine.
Molecular consequence: missense variant.
Genome position (GRCh38, 1-based): chr2:19,978,832, G>A on the plus strand (C>T on the coding strand, the complement: WDR35 is on the minus strand). VCF-style: chr2-19978832-G-A. GRCh37 (hg19) VCF-style: chr2-20178593-G-A.
Other names: c.355C>T, p.Arg119Cys (NM_001006657.2); short protein forms R119C.
Identifiers: ClinVar variation 281109 (VCV000281109.30), dbSNP rs140308808, ClinGen allele CA1543553.